The following is an entry in ClinVar:

NM_000138.5(FBN1):c.1148-16T>A

Gene: FBN1 (fibrillin 1; minus strand). Cytogenetic location: 15q21.1.
Variant type: single nucleotide variant.
Coding change: c.1148-16T>A on transcript NM_000138.5 (MANE Select); 16 bases into the intron before coding-DNA position 1148, T replaced by A.
Molecular consequence: intron variant.
Genome position (GRCh38, 1-based): chr15:48,516,378, A>T on the plus strand (T>A on the coding strand, the complement: FBN1 is on the minus strand). VCF-style: chr15-48516378-A-T. GRCh37 (hg19) VCF-style: chr15-48808575-A-T.
Identifiers: ClinVar variation 512422 (VCV000512422.1), dbSNP rs1334153536, ClinGen allele CA658798365.

ClinVar aggregate classification (germline): Likely benign (1 of 4 stars; one submission).

Submission:

GeneDx
Classification: Likely benign. Last evaluated: 2017-09-29. Review status: criteria provided, single submitter. Criteria: GeneDx Variant Classification (06012015). Collection method: clinical testing. Allele origin: germline. Affected: yes.
Comment: This variant is considered likely benign or benign based on one or more of the following criteria: it is a conservative change, it occurs at a poorly conserved position in the protein, it is predicted to be benign by multiple in silico algorithms, and/or has population frequency not consistent with disease.